The following is an entry in ClinVar:

ClinVar aggregate classification (germline): Uncertain significance. Review status: criteria provided, multiple submitters, no conflicts (2 of 4 stars). 2 submissions from 2 submitters: Uncertain significance (2). Last evaluated 2024-05-15.

Conditions:
CHARGE syndrome (CHARGE). Also called: Hittner Hirsch Kreh syndrome; CHARGE ASSOCIATION--COLOBOMA, HEART ANOMALY, CHOANAL ATRESIA, RETARDATION, GENITAL AND EAR ANOMALIES; Coloboma, heart anomaly, choanal atresia, retardation, genital and ear anomalies; CHARGE association; Hall-Hittner syndrome. Identifiers: Orphanet 138, MedGen C0265354, MONDO:0008965.

Submissions (2):

Labcorp Genetics (formerly Invitae), Labcorp
Classification: Uncertain significance for CHARGE syndrome. Last evaluated: 2024-05-15. Review status: criteria provided, single submitter. Criteria: Invitae Variant Classification Sherloc (09022015). Collection method: clinical testing. Allele origin: germline.
Comment: This sequence change replaces asparagine, which is neutral and polar, with threonine, which is neutral and polar, at codon 2144 of the CHD7 protein (p.Asn2144Thr). This variant is not present in population databases (gnomAD no frequency). This variant has not been reported in the literature in individuals affected with CHD7-related conditions. ClinVar contains an entry for this variant (Variation ID: 1968368). Advanced modeling of protein sequence and biophysical properties (such as structural, functional, and spatial information, amino acid conservation, physicochemical variation, residue mobility, and thermodynamic stability) performed at Invitae indicates that this missense variant is not expected to disrupt CHD7 protein function with a negative predictive value of 95%. In summary, the available evidence is currently insufficient to determine the role of this variant in disease. Therefore, it has been classified as a Variant of Uncertain Significance.

GeneDx
Classification: Uncertain significance. Last evaluated: 2023-03-02. Review status: criteria provided, single submitter. Criteria: GeneDx Variant Classification Process June 2021. Collection method: clinical testing. Allele origin: germline. Affected: yes.
Comment: Not observed at significant frequency in large population cohorts (gnomAD); In silico analysis supports that this missense variant does not alter protein structure/function; Has not been previously published as pathogenic or benign to our knowledge

NM_017780.4(CHD7):c.6431A>C (p.Asn2144Thr)

Gene: CHD7 (chromodomain helicase DNA binding protein 7; plus strand). Cytogenetic location: 8q12.2.
Variant type: single nucleotide variant.
Coding change: c.6431A>C on transcript NM_017780.4 (MANE Select); coding-DNA position 6431, A replaced by C.
Protein change: p.Asn2144Thr; replaces asparagine 2144 with threonine.
Molecular consequence: missense variant. On other transcripts: intron variant (1).
Genome position (GRCh38, 1-based): chr8:60,853,156, A>C. VCF-style: chr8-60853156-A-C. GRCh37 (hg19) VCF-style: chr8-61765715-A-C.
Other names: c.1717-9073A>C (NM_001316690.1); short protein forms N2144T.
Identifiers: ClinVar variation 1968368 (VCV001968368.6), dbSNP rs1228375112, ClinGen allele CA371325176.